The following is an entry in ClinVar:

NM_004082.5(DCTN1):c.345A>G (p.Lys115=)

Gene: DCTN1 (dynactin subunit 1; minus strand). Cytogenetic location: 2p13.1.
Variant type: single nucleotide variant.
Coding change: c.345A>G on transcript NM_004082.5 (MANE Select); coding-DNA position 345, A replaced by G.
Protein change: p.Lys115=; no amino-acid change (lysine 115 retained).
Molecular consequence: synonymous variant. On other transcripts: non-coding transcript variant (1).
Genome position (GRCh38, 1-based): chr2:74,377,661, T>C on the plus strand (A>G on the coding strand, the complement: DCTN1 is on the minus strand). VCF-style: chr2-74377661-T-C. GRCh37 (hg19) VCF-style: chr2-74604788-T-C.
Other names: c.345A>G, p.Lys115= (NM_001135040.3, NM_001190837.2); c.294A>G, p.Lys98= (NM_001190836.2, NM_001378991.1, NM_001378992.1).
Identifiers: ClinVar variation 897552 (VCV000897552.5), dbSNP rs1675303256, ClinGen allele CA426813732.
Genomic context (GRCh38, chr2:74,377,661, plus strand): 5'-GACTCCTCCTGGCTATGGGGAGGCAACTTTAAGTGGGTGGTTGTTACCTCTTTTGAGGAC[T>C]TTTGAAGCAGAAGAATCAGGTGTCTCTGGGGAAGTAGTATCTGCTCCATCTTCAAATACC-3'
Protein context (NP_004073.2, residues 105-125): SPETPDSSAS[Lys115=]VLKREGTDTT

ClinVar aggregate classification (germline): Uncertain significance. Review status: criteria provided, multiple submitters, no conflicts (2 of 4 stars). 3 submissions from 2 submitters: Uncertain significance (3). Last evaluated 2019-07-31.

Conditions:
Neuronopathy, distal hereditary motor, type 7B. Also called: HMN VIIB; LOWER MOTOR NEURON DISEASE, DYNACTIN TYPE; Distal Hereditary Motor Neuronopathy Type 7B (dHMN7B); NEURONOPATHY, DISTAL HEREDITARY MOTOR, AUTOSOMAL DOMINANT 14; NEURONOPATHY, DISTAL HEREDITARY MOTOR, HARDING TYPE VIIB; NEUROPATHY, DISTAL HEREDITARY MOTOR, HARDING TYPE VIIB. Identifiers: Orphanet 139589, MedGen C1843315, MONDO:0011879, OMIM 607641.
Perry syndrome. Also called: PARKINSONISM WITH ALVEOLAR HYPOVENTILATION AND MENTAL DEPRESSION. Identifiers: Orphanet 178509, MedGen C1868594, MONDO:0008201, OMIM 168605.
Amyotrophic lateral sclerosis type 1 (ALS1). Also called: AMYOTROPHIC LATERAL SCLEROSIS 1, FAMILIAL. Identifiers: Orphanet 803, MedGen C1862939, MONDO:0007103, OMIM 105400.

Allele frequency attached by ClinVar (database versions not stated): gnomAD exomes below 0.00001; TOPMed below 0.00001.
gnomAD v4.1: 2 of 1,614,178 alleles (0.00012%); highest among the groups gnomAD compares: Admixed American, 0.0017%; no homozygotes.

Submissions (3):

Labcorp Genetics (formerly Invitae), Labcorp
Classification: Uncertain significance for Amyotrophic lateral sclerosis type 1; Distal hereditary motor neuronopathy type 7B; Perry syndrome. Last evaluated: 2019-07-31. Review status: criteria provided, single submitter. Criteria: Invitae Variant Classification Sherloc (09022015). Collection method: clinical testing. Allele origin: germline.
Comment: This sequence change affects codon 115 of the DCTN1 mRNA. It is a 'silent' change, meaning that it does not change the encoded amino acid sequence of the DCTN1 protein. This variant is not present in population databases (ExAC no frequency). This variant has not been reported in the literature in individuals with DCTN1-related conditions. Algorithms developed to predict the effect of sequence changes on RNA splicing suggest that this variant may create or strengthen a splice site, but this prediction has not been confirmed by published transcriptional studies. In summary, the available evidence is currently insufficient to determine the role of this variant in disease. Therefore, it has been classified as a Variant of Uncertain Significance.

Illumina Laboratory Services, Illumina
Classification: Uncertain significance for Neuronopathy, distal hereditary motor, type 7B. Last evaluated: 2018-01-13. Review status: criteria provided, single submitter. Criteria: ICSL Variant Classification Criteria 13 December 2019. Collection method: clinical testing. Allele origin: germline.

Illumina Laboratory Services, Illumina
Classification: Uncertain significance for Perry syndrome. Last evaluated: 2018-01-13. Review status: criteria provided, single submitter. Criteria: ICSL Variant Classification Criteria 13 December 2019. Collection method: clinical testing. Allele origin: germline.